The following is an entry in ClinVar:

NM_025265.4(TSEN2):c.322G>T (p.Val108Phe)

Gene: TSEN2 (tRNA splicing endonuclease subunit 2; plus strand). Cytogenetic location: 3p25.2.
Variant type: single nucleotide variant.
Coding change: c.322G>T on transcript NM_025265.4 (MANE Select); coding-DNA position 322, G replaced by T.
Protein change: p.Val108Phe; replaces valine 108 with phenylalanine.
Molecular consequence: missense variant. On other transcripts: non-coding transcript variant (1).
Genome position (GRCh38, 1-based): chr3:12,503,275, G>T. VCF-style: chr3-12503275-G-T. GRCh37 (hg19) VCF-style: chr3-12544774-G-T.
Other names: c.322G>T, p.Val108Phe (NM_001145392.2, NM_001145393.3, NM_001145394.2 and 3 more transcripts); short protein forms V108F.
Identifiers: ClinVar variation 160111 (VCV000160111.15), dbSNP rs202097247, ClinGen allele CA272732.

ClinVar aggregate classification (germline): Uncertain significance. Review status: criteria provided, multiple submitters, no conflicts (2 of 4 stars). 5 submissions from 5 submitters: Uncertain significance (5). Last evaluated 2025-01-23.

Conditions:
Inborn genetic diseases. Identifiers: MedGen C0950123, MeSH D030342.
Pontoneocerebellar hypoplasia. Also called: Pontocerebellar hypoplasia; Non-syndromic pontocerebellar hypoplasia. Identifiers: Orphanet 98523, MedGen C1261175, MONDO:0020135.
Pontocerebellar hypoplasia type 2B (PCH2B). Identifiers: Orphanet 2524, MedGen C2676466, MONDO:0012890, OMIM 612389.

Allele frequency attached by ClinVar (database versions not stated): ExAC 0.00020; gnomAD exomes 0.00025 and 0.00045; TOPMed 0.00033; gnomAD 0.00036 and 0.00037; ESP Exome Variant Server 0.00038.
gnomAD v4.1: 700 of 1,614,174 alleles (0.043%); highest among the groups gnomAD compares: Non-Finnish European, 0.057%; 3 homozygotes.

Submissions (5):

Labcorp Genetics (formerly Invitae), Labcorp
Classification: Uncertain significance. Last evaluated: 2025-01-23. Review status: criteria provided, single submitter. Criteria: Invitae Variant Classification Sherloc (09022015). Collection method: clinical testing. Allele origin: germline.
Comment: This sequence change replaces valine, which is neutral and non-polar, with phenylalanine, which is neutral and non-polar, at codon 108 of the TSEN2 protein (p.Val108Phe). This variant is present in population databases (rs202097247, gnomAD 0.05%). This variant has not been reported in the literature in individuals affected with TSEN2-related conditions. ClinVar contains an entry for this variant (Variation ID: 160111). Invitae Evidence Modeling of protein sequence and biophysical properties (such as structural, functional, and spatial information, amino acid conservation, physicochemical variation, residue mobility, and thermodynamic stability) indicates that this missense variant is not expected to disrupt TSEN2 protein function with a negative predictive value of 80%. In summary, the available evidence is currently insufficient to determine the role of this variant in disease. Therefore, it has been classified as a Variant of Uncertain Significance.

Ambry Genetics
Classification: Uncertain significance for Inborn genetic diseases. Last evaluated: 2024-06-28. Review status: criteria provided, single submitter. Criteria: Ambry Variant Classification Scheme 2023. Collection method: clinical testing. Allele origin: germline.

Fulgent Genetics
Classification: Uncertain significance for Pontocerebellar hypoplasia type 2B. Last evaluated: 2018-10-31. Review status: criteria provided, single submitter. Criteria: ACMG Guidelines, 2015. Collection method: clinical testing. Allele origin: unknown.

Illumina Laboratory Services, Illumina
Classification: Uncertain significance for Pontoneocerebellar hypoplasia. Last evaluated: 2018-01-12. Review status: criteria provided, single submitter. Criteria: ICSL Variant Classification Criteria 13 December 2019. Collection method: clinical testing. Allele origin: germline.

Genetic Services Laboratory, University of Chicago
Classification: Uncertain significance for Pontocerebellar hypoplasia type 2B. Last evaluated: 2014-06-27. Review status: criteria provided, single submitter. Criteria: ACMG Guidelines, 2015. Collection method: clinical testing. Allele origin: germline. Inheritance: Autosomal recessive inheritance.